The following is an entry in ClinVar:

ClinVar aggregate classification (germline): Uncertain significance (1 of 4 stars; one submission).

gnomAD v4.1: 7 of 1,613,920 alleles (0.00043%); highest among the groups gnomAD compares: African/African-American, 0.0013%; no homozygotes.

Submission:

Labcorp Genetics (formerly Invitae), Labcorp
Classification: Uncertain significance. Last evaluated: 2024-04-18. Review status: criteria provided, single submitter. Criteria: Invitae Variant Classification Sherloc (09022015). Collection method: clinical testing. Allele origin: germline.
Comment: This sequence change replaces glutamic acid, which is acidic and polar, with lysine, which is basic and polar, at codon 300 of the DCHS1 protein (p.Glu300Lys). This variant is present in population databases (rs563438818, gnomAD 0.007%). This variant has not been reported in the literature in individuals affected with DCHS1-related conditions. Advanced modeling of protein sequence and biophysical properties (such as structural, functional, and spatial information, amino acid conservation, physicochemical variation, residue mobility, and thermodynamic stability) performed at Invitae indicates that this missense variant is not expected to disrupt DCHS1 protein function with a negative predictive value of 95%. In summary, the available evidence is currently insufficient to determine the role of this variant in disease. Therefore, it has been classified as a Variant of Uncertain Significance.

NM_003737.4(DCHS1):c.898G>A (p.Glu300Lys)

Gene: DCHS1 (dachsous cadherin-related 1; minus strand). Cytogenetic location: 11p15.4.
Variant type: single nucleotide variant.
Coding change: c.898G>A on transcript NM_003737.4 (MANE Select); coding-DNA position 898, G replaced by A.
Protein change: p.Glu300Lys; replaces glutamic acid 300 with lysine.
Molecular consequence: missense variant.
Genome position (GRCh38, 1-based): chr11:6,640,716, C>T on the plus strand (G>A on the coding strand, the complement: DCHS1 is on the minus strand). VCF-style: chr11-6640716-C-T. GRCh37 (hg19) VCF-style: chr11-6661947-C-T.
Other names: short protein forms E300K.
Identifiers: ClinVar variation 3694360 (VCV003694360.2).